The following is an entry in ClinVar:

NM_020884.7(MYH7B):c.1828G>T (p.Val610Phe)

Gene: MYH7B (myosin heavy chain 7B; plus strand). Cytogenetic location: 20q11.22.
Variant type: single nucleotide variant.
Coding change: c.1828G>T on transcript NM_020884.7 (MANE Select); coding-DNA position 1828, G replaced by T.
Protein change: p.Val610Phe; replaces valine 610 with phenylalanine.
Molecular consequence: missense variant.
Genome position (GRCh38, 1-based): chr20:34,990,074, G>T. VCF-style: chr20-34990074-G-T. GRCh37 (hg19) VCF-style: chr20-33577877-G-T.
Other names: short protein forms V610F.
Identifiers: ClinVar variation 3710113 (VCV003710113.2).

ClinVar aggregate classification (germline): Uncertain significance (1 of 4 stars; one submission).

gnomAD v4.1: 17 of 1,614,042 alleles (0.0011%); highest among the groups gnomAD compares: Non-Finnish European, 0.0014%; no homozygotes.

Submission:

Labcorp Genetics (formerly Invitae), Labcorp
Classification: Uncertain significance. Last evaluated: 2024-04-22. Review status: criteria provided, single submitter. Criteria: Invitae Variant Classification Sherloc (09022015). Collection method: clinical testing. Allele origin: germline.
Comment: This sequence change replaces valine, which is neutral and non-polar, with phenylalanine, which is neutral and non-polar, at codon 652 of the MYH7B protein (p.Val652Phe). This variant is present in population databases (rs199517588, gnomAD 0.002%). This variant has not been reported in the literature in individuals affected with MYH7B-related conditions. Advanced modeling of protein sequence and biophysical properties (such as structural, functional, and spatial information, amino acid conservation, physicochemical variation, residue mobility, and thermodynamic stability) performed at Invitae indicates that this missense variant is expected to disrupt MYH7B protein function with a positive predictive value of 80%. In summary, the available evidence is currently insufficient to determine the role of this variant in disease. Therefore, it has been classified as a Variant of Uncertain Significance.